The following is an entry in ClinVar:

ClinVar aggregate classification (germline): Uncertain significance (1 of 4 stars; one submission).

Submission:

GeneDx
Classification: Uncertain significance. Last evaluated: 2026-02-03. Review status: criteria provided, single submitter. Criteria: GeneDx Variant Classification Process June 2021. Collection method: clinical testing. Allele origin: germline. Affected: yes.
Comment: Not observed at significant frequency in large population cohorts (gnomAD); In silico analysis suggests that this missense variant does not alter protein structure/function; In silico analysis suggests this variant may impact gene splicing. In the absence of RNA/functional studies, the actual effect of this sequence change is unknown.; Has not been previously published as pathogenic or benign to our knowledge

NM_006225.4(PLCD1):c.1397C>G (p.Ala466Gly)

Gene: PLCD1 (phospholipase C delta 1; minus strand). Cytogenetic location: 3p22.2.
Variant type: single nucleotide variant.
Coding change: c.1397C>G on transcript NM_006225.4 (MANE Select); coding-DNA position 1397, C replaced by G.
Protein change: p.Ala466Gly; replaces alanine 466 with glycine.
Molecular consequence: missense variant. On other transcripts: non-coding transcript variant (1).
Genome position (GRCh38, 1-based): chr3:38,009,702, G>C on the plus strand (C>G on the coding strand, the complement: PLCD1 is on the minus strand). VCF-style: chr3-38009702-G-C. GRCh37 (hg19) VCF-style: chr3-38051193-G-C.
Other names: c.1460C>G, p.Ala487Gly (NM_001130964.2); short protein forms A466G, A487G.
Identifiers: ClinVar variation 1305116 (VCV001305116.3), dbSNP rs2125543715, ClinGen allele CA352112624.